The following is an entry in ClinVar:

NM_001904.4(CTNNB1):c.110C>G (p.Ser37Cys)

Genes: CTNNB1 (catenin beta 1; plus strand), LOC126806658 (BRD4-independent group 4 enhancer GRCh37_chr3:41265899-41267098; plus strand). Cytogenetic location: 3p22.1.
Variant type: single nucleotide variant.
Coding change: c.110C>G on transcript NM_001904.4 (MANE Select); coding-DNA position 110, C replaced by G.
Protein change: p.Ser37Cys; replaces serine 37 with cysteine.
Molecular consequence: missense variant.
Genome position (GRCh38, 1-based): chr3:41,224,622, C>G. VCF-style: chr3-41224622-C-G. GRCh37 (hg19) VCF-style: chr3-41266113-C-G.
Other names: c.110C>G, p.Ser37Cys (NM_001098209.2, NM_001098210.2); c.89C>G, p.Ser30Cys (NM_001330729.2); short protein forms S37C, S30C.
Identifiers: ClinVar variation 17579 (VCV000017579.7), dbSNP rs121913403, ClinGen allele CA127267.

ClinVar aggregate classification (germline): Pathogenic/Likely pathogenic. Review status: no assertion criteria provided (0 of 4 stars). 4 submissions from 2 submitters: Pathogenic (2); Likely pathogenic (1). 1 of the submissions does not count toward it. Last evaluated 1999-05-01.
ClinVar aggregate classification (somatic clinical impact): Tier I - Strong. Review status: criteria provided, single submitter (1 of 4 stars). 5 submissions from 1 submitter. Last evaluated 2025-05-07.

Conditions:
Ovarian neoplasm. Also called: Neoplasm of ovary; Ovarian Neoplasms; Ovarian tumor. Identifiers: MedGen C0919267, MeSH D010051, MONDO:0021068, HP:0100615.
Pilomatrixoma (PTR). Also called: PILOMATRICOMA; EPITHELIOMA CALCIFICANS OF MALHERBE; Pilomatricoma, somatic. Identifiers: Orphanet 91414, MedGen C0206711, MeSH D018296, MONDO:0007564, OMIM 132600, HP:0030434.
serous cystadenoma/endometrioid carcinoma.
Solid pseudopapillary neoplasm of the pancreas. Identifiers: MedGen C1336030, MONDO:0044786.
Adamantinous craniopharyngioma. Identifiers: MedGen C0431129, MONDO:0002787.
Embryonal tumor with multilayered rosettes. Identifiers: Orphanet 656417, MedGen C5575350, MONDO:0958119.
Medulloblastoma WNT activated. Identifiers: MedGen C4331965, MONDO:0850196.

Submissions (9):

Institute for Genomic Medicine (IGM) Clinical Laboratory, Nationwide Children's Hospital
Classification: Tier I - Strong for Solid pseudopapillary neoplasm of the pancreas. Assertion type: diagnostic. Clinical significance: supports diagnosis. Last evaluated: 2025-05-07. Review status: criteria provided, single submitter. Criteria: AMP/ASCO/CAP Guidelines, 2017. Collection method: clinical testing. Allele origin: somatic. Affected: yes.
Comment: Variant has Tier I (strong) clinical significance as a diagnostic inclusion criterion in solid pseudopapillary neoplasm of the pancreas, based on the following evidence: 1) Documented in one or more cancer databases (e.g., St. Jude Pecan, COSMIC, CIViC, OncoKB). 2) Appears in one or more well-established professional guidelines (e.g., World Health Organization [WHO]; National Comprehensive Cancer Network [NCCN]) as providing diagnostic, prognostic, or therapeutic information. 3) Information in the literature supports potential biologic effect of variant (PMIDs: 29435196, 30699286). 4) Diagnostic for a specific tumor type/classification according to professional guidelines (Evidence Level A; PMIDs: 11943721, 16967453, 30972907, 22158988, 32672484).

Institute for Genomic Medicine (IGM) Clinical Laboratory, Nationwide Children's Hospital
Classification: Tier I - Strong for Medulloblastoma WNT activated. Assertion type: diagnostic. Clinical significance: supports diagnosis. Last evaluated: 2025-04-11. Review status: criteria provided, single submitter. Criteria: AMP/ASCO/CAP Guidelines, 2017. Collection method: clinical testing. Allele origin: somatic. Affected: yes.
Comment: Variant has Tier I (strong) clinical significance as a diagnostic inclusion criterion in medulloblastoma WNT activated, based on the following evidence: 1) Documented in one or more cancer databases (e.g., St. Jude Pecan, COSMIC, CIViC, OncoKB). 2) Appears in one or more well-established professional guidelines (e.g., World Health Organization [WHO]; National Comprehensive Cancer Network [NCCN]) as providing diagnostic, prognostic, or therapeutic information. 3) Information in the literature supports potential biologic effect of variant (PMIDs: 29435196, 9065403). 4) Diagnostic for a specific tumor type/classification according to professional guidelines (Evidence Level A; PMIDs: 21163964, 22832581, 28726821, 22832583, 16258095, 29753700).

Institute for Genomic Medicine (IGM) Clinical Laboratory, Nationwide Children's Hospital
Classification: Tier I - Strong for Adamantinous craniopharyngioma. Assertion type: diagnostic. Clinical significance: supports diagnosis. Last evaluated: 2023-06-29. Review status: criteria provided, single submitter. Criteria: AMP/ASCO/CAP Guidelines, 2017. Collection method: clinical testing. Allele origin: somatic. Affected: yes.
Comment: Variant has Tier I (strong) clinical significance as a diagnostic inclusion criterion in adamantinous craniopharyngioma, based on the following evidence: 1) Documented in one or more cancer databases (e.g., St. Jude Pecan, COSMIC, CIViC, OncoKB). 2) Appears in one or more well-established professional guidelines (e.g., World Health Organization [WHO]; National Comprehensive Cancer Network [NCCN]) as providing diagnostic, prognostic, or therapeutic information. 3) Information in the literature supports potential biologic effect of variant (PMIDs: 9537226, 29435196). 4) Diagnostic for a specific tumor type/classification according to professional guidelines (Evidence Level A; PMIDs: 12466115, 24413733, 28069929).

Institute for Genomic Medicine (IGM) Clinical Laboratory, Nationwide Children's Hospital
Classification: Tier I - Strong for serous cystadenoma/endometrioid carcinoma. Assertion type: diagnostic. Clinical significance: supports diagnosis. Last evaluated: 2023-05-28. Review status: criteria provided, single submitter. Criteria: AMP/ASCO/CAP Guidelines, 2017. Collection method: clinical testing. Allele origin: somatic. Affected: yes.
Comment: Variant has Tier I (strong) clinical significance as a diagnostic inclusion criterion in serous cystadenoma/endometrioid carcinoma, based on the following evidence: 1) Documented in one or more cancer databases (e.g., St. Jude Pecan, COSMIC, CIViC, OncoKB). 2) Appears in one or more well-established professional guidelines (e.g., World Health Organization [WHO]; National Comprehensive Cancer Network [NCCN]) as providing diagnostic, prognostic, or therapeutic information. 3) Information in the literature supports potential biologic effect of variant (PMIDs: 9537226, 29435196). 4) Diagnostic for a specific tumor type/classification based on well-powered studies with expert-level consensus (Evidence Level B; PMIDs: 30326146, 23765252, 22653804, 17258789).

Institute for Genomic Medicine (IGM) Clinical Laboratory, Nationwide Children's Hospital
Classification: Tier I - Strong for Embryonal tumor with multilayered rosettes. Assertion type: diagnostic. Clinical significance: supports diagnosis. Last evaluated: 2023-03-28. Review status: criteria provided, single submitter. Criteria: AMP/ASCO/CAP Guidelines, 2017. Collection method: clinical testing. Allele origin: somatic. Affected: yes.
Comment: Variant has Tier I (strong) clinical significance as a diagnostic inclusion criterion in embryonal tumor with multilayered rosettes, based on the following evidence: 1) Documented in one or more cancer databases (e.g., St. Jude Pecan, COSMIC, CIViC, OncoKB). 2) Appears in one or more well-established professional guidelines (e.g., World Health Organization [WHO]; National Comprehensive Cancer Network [NCCN]) as providing diagnostic, prognostic, or therapeutic information. 3) Information in the literature supports potential biologic effect of variant (PMIDs: 9537226, 29435196). 4) Diagnostic for a specific tumor type/classification based on well-powered studies with expert-level consensus (Evidence Level B; PMIDs: 31802000, 32601913).

OMIM
Classification: Pathogenic for OVARIAN CANCER, SOMATIC. Last evaluated: 1999-05-01. Review status: no assertion criteria provided. Collection method: literature only. Allele origin: somatic.

OMIM
Classification: Pathogenic for PILOMATRICOMA, SOMATIC. Last evaluated: 1999-04-01. Review status: no assertion criteria provided. Collection method: literature only. Allele origin: somatic.

Richard Lifton Laboratory, Yale University School of Medicine
Classification: Likely pathogenic. Review status: no assertion criteria provided. Collection method: not provided. Allele origin: somatic.
Comment: CTNNB1:p.S37C
ClinVar note: Converted during submission from probable-pathogenic to Likely pathogenic.

Richard Lifton Laboratory, Yale University School of Medicine
Classification: Likely pathogenic. Review status: flagged submission. Collection method: not provided. Allele origin: somatic. Not counted in ClinVar's aggregate classification.
ClinVar note: Converted during submission from probable-pathogenic to Likely pathogenic.
ClinVar note: Reason: This record appears to be redundant with a more recent record from the same submitter.
ClinVar note: Notes: SCV000120057 appears to be redundant with SCV000155160.

Literature cited by the submitters: PubMed 29435196 (cited by Institute for Genomic Medicine (IGM) Clinical Laboratory, Nationwide Children's Hospital); PubMed 30699286 (cited by Institute for Genomic Medicine (IGM) Clinical Laboratory, Nationwide Children's Hospital); PubMed 11943721 (cited by Institute for Genomic Medicine (IGM) Clinical Laboratory, Nationwide Children's Hospital); PubMed 16967453 (cited by Institute for Genomic Medicine (IGM) Clinical Laboratory, Nationwide Children's Hospital); PubMed 30972907 (cited by Institute for Genomic Medicine (IGM) Clinical Laboratory, Nationwide Children's Hospital); PubMed 22158988 (cited by Institute for Genomic Medicine (IGM) Clinical Laboratory, Nationwide Children's Hospital); PubMed 32672484 (cited by Institute for Genomic Medicine (IGM) Clinical Laboratory, Nationwide Children's Hospital); PubMed 9065403 (cited by Institute for Genomic Medicine (IGM) Clinical Laboratory, Nationwide Children's Hospital); PubMed 21163964 (cited by Institute for Genomic Medicine (IGM) Clinical Laboratory, Nationwide Children's Hospital); PubMed 22832581 (cited by Institute for Genomic Medicine (IGM) Clinical Laboratory, Nationwide Children's Hospital); PubMed 28726821 (cited by Institute for Genomic Medicine (IGM) Clinical Laboratory, Nationwide Children's Hospital); PubMed 22832583 (cited by Institute for Genomic Medicine (IGM) Clinical Laboratory, Nationwide Children's Hospital); PubMed 16258095 (cited by Institute for Genomic Medicine (IGM) Clinical Laboratory, Nationwide Children's Hospital); PubMed 29753700 (cited by Institute for Genomic Medicine (IGM) Clinical Laboratory, Nationwide Children's Hospital); PubMed 9537226 (cited by Institute for Genomic Medicine (IGM) Clinical Laboratory, Nationwide Children's Hospital); PubMed 12466115 (cited by Institute for Genomic Medicine (IGM) Clinical Laboratory, Nationwide Children's Hospital); PubMed 24413733 (cited by Institute for Genomic Medicine (IGM) Clinical Laboratory, Nationwide Children's Hospital); PubMed 28069929 (cited by Institute for Genomic Medicine (IGM) Clinical Laboratory, Nationwide Children's Hospital); PubMed 30326146 (cited by Institute for Genomic Medicine (IGM) Clinical Laboratory, Nationwide Children's Hospital); PubMed 23765252 (cited by Institute for Genomic Medicine (IGM) Clinical Laboratory, Nationwide Children's Hospital); PubMed 22653804 (cited by Institute for Genomic Medicine (IGM) Clinical Laboratory, Nationwide Children's Hospital); PubMed 17258789 (cited by Institute for Genomic Medicine (IGM) Clinical Laboratory, Nationwide Children's Hospital); PubMed 31802000 (cited by Institute for Genomic Medicine (IGM) Clinical Laboratory, Nationwide Children's Hospital); PubMed 32601913 (cited by Institute for Genomic Medicine (IGM) Clinical Laboratory, Nationwide Children's Hospital); PubMed 10391090 (cited by OMIM); PubMed 10192393 (cited by OMIM).